The following is an entry in ClinVar:

NM_001378120.1(MBD5):c.1150A>G (p.Asn384Asp)

Gene: MBD5 (methyl-CpG binding domain protein 5; plus strand). Cytogenetic location: 2q23.1.
Variant type: single nucleotide variant.
Coding change: c.1150A>G on transcript NM_001378120.1 (MANE Select); coding-DNA position 1150, A replaced by G.
Protein change: p.Asn384Asp; replaces asparagine 384 with aspartic acid.
Molecular consequence: missense variant.
Genome position (GRCh38, 1-based): chr2:148,469,093, A>G. VCF-style: chr2-148469093-A-G. GRCh37 (hg19) VCF-style: chr2-149226662-A-G.
Other names: c.1150A>G (NM_018328.4); c.1150A>G, p.Asn384Asp (NM_018328.5); short protein forms N384D.
Identifiers: ClinVar variation 2163549 (VCV002163549.5), dbSNP rs748052337, ClinGen allele CA1899982.

ClinVar aggregate classification (germline): Conflicting classifications of pathogenicity. Review status: criteria provided, conflicting classifications (1 of 4 stars). 2 submissions from 2 submitters: Uncertain significance (1); Likely benign (1). Last evaluated 2025-11-12.

Conditions:
Intellectual developmental disorder, autosomal dominant 1. Also called: Intellectual disability, autosomal dominant 1; MBD5 Haploinsufficiency. Identifiers: Orphanet 228402, MedGen C1969562, MONDO:0007974, OMIM 156200.
Inborn genetic diseases. Identifiers: MedGen C0950123, MeSH D030342.

Allele frequency attached by ClinVar (database versions not stated): ExAC 0.00001; TOPMed 0.00001.
gnomAD v4.1: 3 of 1,613,998 alleles (0.00019%); highest among the groups gnomAD compares: East Asian, 0.0022%; no homozygotes.

Submissions (2):

Ambry Genetics
Classification: Likely benign for Inborn genetic diseases. Last evaluated: 2025-11-12. Review status: criteria provided, single submitter. Criteria: Ambry Variant Classification Scheme 2023. Collection method: clinical testing. Allele origin: germline.

Labcorp Genetics (formerly Invitae), Labcorp
Classification: Uncertain significance for Intellectual developmental disorder, autosomal dominant 1. Last evaluated: 2025-10-15. Review status: criteria provided, single submitter. Criteria: Invitae Variant Classification Sherloc (09022015). Collection method: clinical testing. Allele origin: germline.
Comment: This sequence change replaces asparagine, which is neutral and polar, with aspartic acid, which is acidic and polar, at codon 384 of the MBD5 protein (p.Asn384Asp). This variant is present in population databases (rs748052337, gnomAD 0.007%). This variant has not been reported in the literature in individuals affected with MBD5-related conditions. ClinVar contains an entry for this variant (Variation ID: 2163549). Invitae Evidence Modeling of protein sequence and biophysical properties (such as structural, functional, and spatial information, amino acid conservation, physicochemical variation, residue mobility, and thermodynamic stability) indicates that this missense variant is not expected to disrupt MBD5 protein function with a negative predictive value of 80%. In summary, the available evidence is currently insufficient to determine the role of this variant in disease. Therefore, it has been classified as a Variant of Uncertain Significance.